The following is an entry in ClinVar:

ClinVar aggregate classification (germline): Uncertain significance (1 of 4 stars; one submission).

Allele frequency attached by ClinVar (database versions not stated): gnomAD exomes below 0.00001.
gnomAD v4.1: 1 of 1,614,044 alleles (0.000062%); highest among the groups gnomAD compares: African/African-American, 0.0013%; no homozygotes.

Submission:

GeneDx
Classification: Uncertain significance. Last evaluated: 2022-12-18. Review status: criteria provided, single submitter. Criteria: GeneDx Variant Classification Process June 2021. Collection method: clinical testing. Allele origin: germline. Affected: yes.
Comment: Not observed at significant frequency in large population cohorts (gnomAD); In silico analysis supports that this missense variant has a deleterious effect on protein structure/function; Has not been previously published as pathogenic or benign to our knowledge

NM_003193.5(TBCE):c.425C>T (p.Ala142Val)

Gene: TBCE (tubulin folding cofactor E; plus strand). Cytogenetic location: 1q42.3.
Variant type: single nucleotide variant.
Coding change: c.425C>T on transcript NM_003193.5 (MANE Select); coding-DNA position 425, C replaced by T.
Protein change: p.Ala142Val; replaces alanine 142 with valine.
Molecular consequence: missense variant.
Genome position (GRCh38, 1-based): chr1:235,419,526, C>T. VCF-style: chr1-235419526-C-T. GRCh37 (hg19) VCF-style: chr1-235582841-C-T.
Other names: c.425C>T, p.Ala142Val (NM_001079515.3, NM_001287801.2); c.86C>T, p.Ala29Val (NM_001287802.2); short protein forms A142V, A29V.
Identifiers: ClinVar variation 2505807 (VCV002505807.1), dbSNP rs2526961567, ClinGen allele CA344926223.